The following is an entry in ClinVar:

ClinVar aggregate classification (germline): Uncertain significance (1 of 4 stars; one submission).

Conditions:
Pitt-Hopkins-like syndrome 2 (PTHSL2). Identifiers: Orphanet 221150, Orphanet 600663, MedGen C3280479, MONDO:0013690, OMIM 614325.

Allele frequency attached by ClinVar (database versions not stated): gnomAD exomes 0.00001; ExAC 0.00002.
gnomAD v4.1: 11 of 1,613,336 alleles (0.00068%); highest among the groups gnomAD compares: African/African-American, 0.004%; no homozygotes.

Submission:

Labcorp Genetics (formerly Invitae), Labcorp
Classification: Uncertain significance for Pitt-Hopkins-like syndrome 2. Last evaluated: 2024-03-24. Review status: criteria provided, single submitter. Criteria: Invitae Variant Classification Sherloc (09022015). Collection method: clinical testing. Allele origin: germline.
Comment: This sequence change replaces arginine, which is basic and polar, with glutamine, which is neutral and polar, at codon 787 of the NRXN1 protein (p.Arg787Gln). This variant is present in population databases (rs201643971, gnomAD 0.007%). This variant has not been reported in the literature in individuals affected with NRXN1-related conditions. ClinVar contains an entry for this variant (Variation ID: 2104687). An algorithm developed to predict the effect of missense changes on protein structure and function (PolyPhen-2) suggests that this variant is likely to be disruptive. In summary, the available evidence is currently insufficient to determine the role of this variant in disease. Therefore, it has been classified as a Variant of Uncertain Significance.

NM_001330078.2(NRXN1):c.2240G>A (p.Arg747Gln)

Gene: NRXN1 (neurexin 1; minus strand). Cytogenetic location: 2p16.3.
Variant type: single nucleotide variant.
Coding change: c.2240G>A on transcript NM_001330078.2 (MANE Select); coding-DNA position 2240, G replaced by A.
Protein change: p.Arg747Gln; replaces arginine 747 with glutamine.
Molecular consequence: missense variant.
Genome position (GRCh38, 1-based): chr2:50,531,334, C>T on the plus strand (G>A on the coding strand, the complement: NRXN1 is on the minus strand). VCF-style: chr2-50531334-C-T. GRCh37 (hg19) VCF-style: chr2-50758472-C-T.
Other names: c.2360G>A, p.Arg787Gln (NM_001135659.3); c.2216G>A, p.Arg739Gln (NM_001330077.2, NM_001330082.2, NM_001330095.2); c.2201G>A, p.Arg734Gln (NM_001330083.2, NM_001330084.2); c.2240G>A, p.Arg747Gln (NM_001330085.2, NM_001330086.2, NM_004801.6); c.2156G>A, p.Arg719Gln (NM_001330087.2, NM_001330096.2); c.2186G>A, p.Arg729Gln (NM_001330088.2); c.2237G>A, p.Arg746Gln (NM_001330093.2); c.2228G>A, p.Arg743Gln (NM_001330094.2); short protein forms R734Q, R787Q, R729Q, R739Q, R747Q, R719Q, R743Q, R746Q.
Identifiers: ClinVar variation 2104687 (VCV002104687.4), dbSNP rs201643971, ClinGen allele CA1654886.